The following is an entry in ClinVar:

ClinVar aggregate classification (germline): Uncertain significance (1 of 4 stars; one submission).

Conditions:
ITPR1-related disorder. Also called: ITPR1-related condition.

Submission:

3billion
Classification: Uncertain significance for ITPR1-related disorder. Last evaluated: 2024-11-19. Review status: criteria provided, single submitter. Criteria: ACMG Guidelines, 2015. Collection method: clinical testing. Allele origin: germline. Affected: yes.
Comment: The variant is not observed in the gnomAD v4.1.0 dataset. Predicted Consequence/Location: Missense variant. Missense changes are a common disease-causing mechanism. In silico tool predictions suggest damaging effect of the variant on gene or gene product [REVEL: 0.86 (>=0.6, sensitivity 0.68 and specificity 0.92)]. Therefore, this variant is classified as VUS according to the recommendation of ACMG/AMP guideline.

NM_001378452.1(ITPR1):c.6652T>C (p.Phe2218Leu)

Gene: ITPR1 (inositol 1,4,5-trisphosphate receptor type 1; plus strand). Cytogenetic location: 3p26.1.
Variant type: single nucleotide variant.
Coding change: c.6652T>C on transcript NM_001378452.1 (MANE Select); coding-DNA position 6652, T replaced by C.
Protein change: p.Phe2218Leu; replaces phenylalanine 2218 with leucine.
Molecular consequence: missense variant.
Genome position (GRCh38, 1-based): chr3:4,787,983, T>C. VCF-style: chr3-4787983-T-C. GRCh37 (hg19) VCF-style: chr3-4829667-T-C.
Other names: c.6508T>C, p.Phe2170Leu (NM_001099952.4); c.6607T>C, p.Phe2203Leu (NM_001168272.2); c.6463T>C, p.Phe2155Leu (NM_002222.7); short protein forms F2155L, F2170L, F2203L, F2218L.
Identifiers: ClinVar variation 4292263 (VCV004292263.1).